The following is an entry in ClinVar:

NM_001211.6(BUB1B):c.235G>A (p.Asp79Asn)

Gene: BUB1B (BUB1 mitotic checkpoint serine/threonine kinase B; plus strand). Cytogenetic location: 15q15.1.
Variant type: single nucleotide variant.
Coding change: c.235G>A on transcript NM_001211.6 (MANE Select); coding-DNA position 235, G replaced by A.
Protein change: p.Asp79Asn; replaces aspartic acid 79 with asparagine.
Molecular consequence: missense variant.
Genome position (GRCh38, 1-based): chr15:40,170,117, G>A. VCF-style: chr15-40170117-G-A. GRCh37 (hg19) VCF-style: chr15-40462318-G-A.
Other names: short protein forms D79N.
Identifiers: ClinVar variation 1790136 (VCV001790136.3), dbSNP rs2542515741, ClinGen allele CA391678539.

ClinVar aggregate classification (germline): Uncertain significance (1 of 4 stars; one submission).

Conditions:
Inborn genetic diseases. Identifiers: MedGen C0950123, MeSH D030342.

Submission:

Ambry Genetics
Classification: Uncertain significance for Inborn genetic diseases. Last evaluated: 2025-06-07. Review status: criteria provided, single submitter. Criteria: Ambry Variant Classification Scheme 2023. Collection method: clinical testing. Allele origin: germline.
Comment: The p.D79N variant (also known as c.235G>A), located in coding exon 3 of the BUB1B gene, results from a G to A substitution at nucleotide position 235. The aspartic acid at codon 79 is replaced by asparagine, an amino acid with highly similar properties. This amino acid position is conserved. In addition, this alteration is predicted to be tolerated by in silico analysis. Since supporting evidence is limited at this time, the clinical significance of this alteration remains unclear.